The following is an entry in ClinVar:

ClinVar aggregate classification (germline): Uncertain significance (1 of 4 stars; one submission).

Conditions:
Kabuki syndrome. Also called: NIIKAWA-KUROKI SYNDROME; Kabuki make-up syndrome. Identifiers: Orphanet 2322, MedGen C0796004, MONDO:0016512.

Allele frequency attached by ClinVar (database versions not stated): TOPMed below 0.00001; gnomAD 0.00001; gnomAD exomes below 0.00001.
gnomAD v4.1: 7 of 1,610,290 alleles (0.00043%); highest among the groups gnomAD compares: Non-Finnish European, 0.00059%; no homozygotes.

Submission:

Labcorp Genetics (formerly Invitae), Labcorp
Classification: Uncertain significance for Kabuki syndrome. Last evaluated: 2025-06-01. Review status: criteria provided, single submitter. Criteria: Invitae Variant Classification Sherloc (09022015). Collection method: clinical testing. Allele origin: germline.
Comment: This sequence change replaces threonine, which is neutral and polar, with asparagine, which is neutral and polar, at codon 3384 of the KMT2D protein (p.Thr3384Asn). This variant is not present in population databases (gnomAD no frequency). This variant has not been reported in the literature in individuals affected with KMT2D-related conditions. ClinVar contains an entry for this variant (Variation ID: 2894979). Invitae Evidence Modeling of protein sequence and biophysical properties (such as structural, functional, and spatial information, amino acid conservation, physicochemical variation, residue mobility, and thermodynamic stability) indicates that this missense variant is not expected to disrupt KMT2D protein function with a negative predictive value of 95%. In summary, the available evidence is currently insufficient to determine the role of this variant in disease. Therefore, it has been classified as a Variant of Uncertain Significance.

NM_003482.4(KMT2D):c.10151C>A (p.Thr3384Asn)

Gene: KMT2D (lysine methyltransferase 2D; minus strand). Cytogenetic location: 12q13.12.
Variant type: single nucleotide variant.
Coding change: c.10151C>A on transcript NM_003482.4 (MANE Select); coding-DNA position 10151, C replaced by A.
Protein change: p.Thr3384Asn; replaces threonine 3384 with asparagine.
Molecular consequence: missense variant.
Genome position (GRCh38, 1-based): chr12:49,037,205, G>T on the plus strand (C>A on the coding strand, the complement: KMT2D is on the minus strand). VCF-style: chr12-49037205-G-T. GRCh37 (hg19) VCF-style: chr12-49430988-G-T.
Other names: short protein forms T3384N.
Identifiers: ClinVar variation 2894979 (VCV002894979.3), dbSNP rs1943263345, ClinGen allele CA384732030.